The following is an entry in ClinVar:

ClinVar aggregate classification (germline): Likely benign (0 of 4 stars; one submission).

Conditions:
Autism (AUTS). Also called: Autistic disorder of childhood onset; Autistic disorder. Identifiers: MedGen C0004352, MeSH D001321, MONDO:0005260, OMIM 209850, HP:0000717.

Submission:

Laboratorio de Genetica Humana; Universidad de los Andes
Classification: Likely benign for Autism. Last evaluated: 2013-10-01. Review status: no assertion criteria provided. Collection method: research. Allele origin: de novo. Inheritance: Autosomal unknown. Affected: yes.
Comment: De novo novel variant using whole exome sequencing in an ASD study in Colombian population

NC_000016.10:g.90029209_90029210insGCTGCCCCGCAG

Genes: DRC4 (dynein regulatory complex subunit 4; plus strand), GAS8-AS1 (GAS8 antisense RNA 1; minus strand). Cytogenetic location: 16q24.3.
Variant type: Insertion.
Molecular consequence: intron variant (on NM_001481.3).
Genome position: GRCh38 VCF-style: chr16-90029208-G-GGGCTGCCCCGCA. GRCh37 (hg19) VCF-style: chr16-90095616-G-GGGCTGCCCCGCA.
Other names: c.15+1487_15+1488insGCTGCCCCGCAG (NM_001286209.2); c.-283+1487_-283+1488insGCTGCCCCGCAG (NM_001286205.2); c.-555+1487_-555+1488insGCTGCCCCGCAG (NM_001286208.2); c.90+1487_90+1488insGCTGCCCCGCAG (NM_001481.3).
Identifiers: ClinVar variation 212708 (VCV000212708.1), dbSNP rs1555648296, ClinGen allele CA277111.
Genomic context (GRCh38, chr16:90,029,208, plus strand): 5'-GCCTACGGGGCAGGCTACGGGGCAGCTTACGGGGCAGGCTATGGGGCAGCCTACGGGGCA[G>GGGCTGCCCCGCA]GCTACGGGGCAGGCCCTTGCACTGCACATCGCACGTTGAGCCACAGACTCAGAAGGCTTC-3'